The following is an entry in ClinVar:

ClinVar aggregate classification (germline): Uncertain significance (1 of 4 stars; one submission).

gnomAD v4.1: 2 of 1,613,602 alleles (0.00012%); highest among the groups gnomAD compares: Non-Finnish European, 0.000085%; no homozygotes.

Submission:

CeGaT Center for Human Genetics Tuebingen
Classification: Uncertain significance. Last evaluated: 2025-02-01. Review status: criteria provided, single submitter. Criteria: CeGaT Center For Human Genetics Tuebingen Variant Classification Criteria Version 2. Collection method: clinical testing. Allele origin: germline. Affected: yes. Observed: 1 variant allele.
Comment: TMEM231: PM2, PP3

NM_001077418.3(TMEM231):c.661A>T (p.Asn221Tyr)

Gene: TMEM231 (transmembrane protein 231; minus strand). Cytogenetic location: 16q23.1.
Variant type: single nucleotide variant.
Coding change: c.661A>T on transcript NM_001077418.3 (MANE Select); coding-DNA position 661, A replaced by T.
Protein change: p.Asn221Tyr; replaces asparagine 221 with tyrosine.
Molecular consequence: missense variant. On other transcripts: non-coding transcript variant (1).
Genome position (GRCh38, 1-based): chr16:75,542,605, T>A on the plus strand (A>T on the coding strand, the complement: TMEM231 is on the minus strand). VCF-style: chr16-75542605-T-A. GRCh37 (hg19) VCF-style: chr16-75576503-T-A.
Other names: c.820A>T, p.Asn274Tyr (NM_001077416.2); short protein forms N221Y, N274Y.
Identifiers: ClinVar variation 3778398 (VCV003778398.7).